The following is an entry in ClinVar:

ClinVar aggregate classification (germline): Uncertain significance (1 of 4 stars; one submission).

Conditions:
Dilated cardiomyopathy 1G (CMD1G). Identifiers: Orphanet 154, MedGen C1858763, MONDO:0011400, OMIM 604145.
Autosomal recessive limb-girdle muscular dystrophy type 2J (LGMDR10). Also called: Limb-girdle muscular dystrophy, type 2J; MUSCULAR DYSTROPHY, LIMB-GIRDLE, AUTOSOMAL RECESSIVE 10. Identifiers: Orphanet 140922, MedGen C1837342, MONDO:0012127, OMIM 608807.

Submission:

Labcorp Genetics (formerly Invitae), Labcorp
Classification: Uncertain significance for Dilated cardiomyopathy 1G; Limb-girdle muscular dystrophy, type 2J. Last evaluated: 2019-10-03. Review status: criteria provided, single submitter. Criteria: Invitae Variant Classification Sherloc (09022015). Collection method: clinical testing. Allele origin: germline.
Comment: This sequence change results in a premature translational stop signal in the TTN gene (p.Ile11894Aspfs*4). While this is not anticipated to result in nonsense mediated decay, it is expected to create a truncated TTN protein. This variant is not present in population databases (ExAC no frequency). This variant has not been reported in the literature in individuals with TTN-related conditions. This variant is located in the I band of TTN (PMID: 25589632). Truncating variants in this region have been shown to be highly prevalent in the general population and unaffected individuals (PMID: 26701604, 22335739). However, truncating variants in this region have also been reported in individuals affected with autosomal recessive centronuclear myopathy (PMID: 23975875). In summary, the available evidence is currently insufficient to determine the role of this variant in disease. Therefore, it has been classified as a Variant of Uncertain Significance.

Literature cited by the submitters: PubMed 22335739; PubMed 23975875; PubMed 25589632; PubMed 26701604.

NM_001267550.2(TTN):c.35676_35679dup (p.Ile11894fs)

Gene: TTN (titin; minus strand). Cytogenetic location: 2q31.2.
Variant type: Duplication.
Coding change: c.35676_35679dup on transcript NM_001267550.2 (MANE Select); coding-DNA positions 35676 to 35679, 4 bases duplicated (GACT; older notation c.35676_35679dupGACT).
Protein change: p.Ile11894fs; shifts the reading frame from isoleucine 11894.
Molecular consequence: frameshift variant. On other transcripts: intron variant (5).
Genome position (GRCh38, 1-based): chr2:178,667,476-178,667,479, AGTC duplicated on the plus strand (GACT on the coding strand, the reverse complement: TTN is on the minus strand); duplicating any 4 consecutive bases within chr2:178,667,476-178,667,480 gives the same sequence; the c. name uses the placement nearest the transcript's 3' end. VCF-style (leftmost placement, unchanged base first): chr2-178667475-T-TAGTC. GRCh37 (hg19) VCF-style: chr2-179532202-T-TAGTC.
Other names: c.13283-25162_13283-25159dup (NM_003319.4); c.13859-25162_13859-25159dup (NM_133437.4); c.13658-25162_13658-25159dup (NM_133432.3); c.31483+2739_31483+2742dup (NM_133378.4); c.34264+2739_34264+2742dup (NM_001256850.1); short protein forms I11894fs.
Identifiers: ClinVar variation 967736 (VCV000967736.1), dbSNP rs2066170360, ClinGen allele CA1139657486.